The following is an entry in ClinVar:

ClinVar aggregate classification (germline): Uncertain significance (1 of 4 stars; one submission).

Submission:

Labcorp Genetics (formerly Invitae), Labcorp
Classification: Uncertain significance. Last evaluated: 2022-08-01. Review status: criteria provided, single submitter. Criteria: Invitae Variant Classification Sherloc (09022015). Collection method: clinical testing. Allele origin: germline.
Comment: This variant has not been reported in the literature in individuals affected with GTF2E2-related conditions. This variant is present in population databases (no rsID available, gnomAD 0.003%). This variant, c.493_495del, results in the deletion of 1 amino acid(s) of the GTF2E2 protein (p.Gly165del), but otherwise preserves the integrity of the reading frame. Experimental studies and prediction algorithms are not available or were not evaluated, and the functional significance of this variant is currently unknown. In summary, the available evidence is currently insufficient to determine the role of this variant in disease. Therefore, it has been classified as a Variant of Uncertain Significance.

NM_002095.6(GTF2E2):c.490GGA[1] (p.Gly165del)

Gene: GTF2E2 (general transcription factor IIE subunit 2; minus strand). Cytogenetic location: 8p12.
Variant type: Microsatellite.
Coding change: c.490GGA[1] on transcript NM_002095.6 (MANE Select); one copy of the 3-base unit GGA starting at c.490; the reference has two copies in a row; one copy, 3 bases deleted.
Protein change: p.Gly165del; deletes glycine 165.
Molecular consequence: inframe deletion.
Genome position (GRCh38, 1-based): chr8:30,612,353-30,612,355, TCC deleted on the plus strand (GGA on the coding strand, the reverse complement: GTF2E2 is on the minus strand); deleting any 3 consecutive bases within chr8:30,612,353-30,612,359 gives the same sequence; the position shown is the placement nearest the transcript's 3' end. VCF-style (leftmost placement, unchanged base first): chr8-30612352-TTCC-T. GRCh37 (hg19) VCF-style: chr8-30469869-TTCC-T.
Other names: c.490GGA[1], p.Gly165del (NM_001348353.1); short protein forms G165del.
Identifiers: ClinVar variation 2021059 (VCV002021059.4), dbSNP rs1337184922, ClinGen allele CA580962774.